The following is an entry in ClinVar:

ClinVar aggregate classification (germline): Pathogenic (1 of 4 stars; one submission).

Submission:

Labcorp Genetics (formerly Invitae), Labcorp
Classification: Pathogenic. Last evaluated: 2019-02-21. Review status: criteria provided, single submitter. Criteria: Invitae Variant Classification Sherloc (09022015). Collection method: clinical testing. Allele origin: germline.
Comment: Loss-of-function variants in TRIO are known to be pathogenic (PMID: 26721934). For these reasons, this variant has been classified as Pathogenic. This variant has not been reported in the literature in individuals with TRIO-related conditions. This variant is not present in population databases (ExAC no frequency). This sequence change creates a premature translational stop signal (p.Glu2362Glyfs*80) in the TRIO gene. It is expected to result in an absent or disrupted protein product.

Literature cited by the submitters: PubMed 26721934.

NM_007118.4(TRIO):c.7081_7084dup (p.Glu2362fs)

Gene: TRIO (trio Rho guanine nucleotide exchange factor; plus strand). Cytogenetic location: 5p15.2.
Variant type: Duplication.
Coding change: c.7081_7084dup on transcript NM_007118.4 (MANE Select); coding-DNA positions 7081 to 7084, 4 bases duplicated (GCAG; older notation c.7081_7084dupGCAG).
Protein change: p.Glu2362fs; shifts the reading frame from glutamic acid 2362.
Molecular consequence: frameshift variant. On other transcripts: non-coding transcript variant (1).
Genome position (GRCh38, 1-based): chr5:14,487,709-14,487,712, GCAG duplicated; duplicating any 4 consecutive bases within chr5:14,487,706-14,487,712 gives the same sequence; the c. name uses the placement nearest the transcript's 3' end. VCF-style (leftmost placement, unchanged base first): chr5-14487705-C-CCAGG. GRCh37 (hg19) VCF-style: chr5-14487814-C-CCAGG.
Other names: short protein forms E2362fs.
Identifiers: ClinVar variation 856557 (VCV000856557.7), dbSNP rs1756058470, ClinGen allele CA916082695.
Genomic context (GRCh38, chr5:14,487,705, plus strand): 5'-CCGGATCCCCCAGCCTGTCCGACACCACCCCCCCGTGCTGGTCTCCTCTGCAGCCTCGAG[C>CCAGG]CAGGCAGAGGCAGACAAGATGTCAGGTACGTCCACCCCCGGGCCCTCCCTGCCTCCCCCT-3'